The following is an entry in ClinVar:

ClinVar aggregate classification (germline): Conflicting classifications of pathogenicity. Review status: criteria provided, conflicting classifications (1 of 4 stars). 3 submissions from 3 submitters: Uncertain significance (1); Benign (1); Likely benign (1). Last evaluated 2025-12-15.

Conditions:
Retinitis pigmentosa (RP). Identifiers: Orphanet 791, MedGen C0035334, MeSH D012174, MONDO:0019200, OMIM 268000. Inheritance: Autosomal dominant, autosomal recessive and X linked inheritance.

Allele frequency attached by ClinVar (database versions not stated): gnomAD 0.00007 and 0.00009; TOPMed 0.00007; gnomAD exomes 0.00009 and 0.00021; ExAC 0.00017.
gnomAD v4.1: 145 of 1,613,808 alleles (0.009%); highest among the groups gnomAD compares: South Asian, 0.066%; 1 homozygote.

Submissions (3):

Labcorp Genetics (formerly Invitae), Labcorp
Classification: Benign. Last evaluated: 2025-12-15. Review status: criteria provided, single submitter. Criteria: Invitae Variant Classification Sherloc (09022015). Collection method: clinical testing. Allele origin: germline.

Blueprint Genetics
Classification: Likely benign. Last evaluated: 2024-10-16. Review status: criteria provided, single submitter. Criteria: ACMG Guidelines, 2015. Collection method: clinical testing. Allele origin: germline.

Illumina Laboratory Services, Illumina
Classification: Uncertain significance for Retinitis pigmentosa. Last evaluated: 2017-04-27. Review status: criteria provided, single submitter. Criteria: ICSL Variant Classification Criteria 13 December 2019. Collection method: clinical testing. Allele origin: germline.
Comment: This variant was observed as part of a predisposition screen in an ostensibly healthy population. A literature search was performed for the gene, cDNA change, and amino acid change (where applicable). Publications were found based on this search. However, the evidence from the literature, in combination with allele frequency data from public databases where available, was not sufficient to rule this variant in or out of causing disease. Therefore, this variant is classified as a variant of unknown significance.

Literature cited by the submitters: PubMed 19520207 (cited by Illumina Laboratory Services, Illumina).

NM_001031710.3(KLHL7):c.513G>A (p.Gln171=)

Gene: KLHL7 (kelch like family member 7; plus strand). Cytogenetic location: 7p15.3.
Variant type: single nucleotide variant.
Coding change: c.513G>A on transcript NM_001031710.3 (MANE Select); coding-DNA position 513, G replaced by A.
Protein change: p.Gln171=; no amino-acid change (glutamine 171 retained).
Molecular consequence: synonymous variant. On other transcripts: non-coding transcript variant (1).
Genome position (GRCh38, 1-based): chr7:23,140,839, G>A. VCF-style: chr7-23140839-G-A. GRCh37 (hg19) VCF-style: chr7-23180458-G-A.
Other names: c.369G>A, p.Gln123= (NM_018846.5).
Identifiers: ClinVar variation 911036 (VCV000911036.15), dbSNP rs750816527, ClinGen allele CA4186447.